The following is an entry in ClinVar:

NM_001122630.2(CDKN1C):c.7C>A (p.Arg3Ser)

Gene: CDKN1C (cyclin dependent kinase inhibitor 1C; minus strand). Cytogenetic location: 11p15.4.
Variant type: single nucleotide variant.
Coding change: c.7C>A on transcript NM_001122630.2 (MANE Select); coding-DNA position 7, C replaced by A.
Protein change: p.Arg3Ser; replaces arginine 3 with serine.
Molecular consequence: missense variant.
Genome position (GRCh38, 1-based): chr11:2,885,450, G>T on the plus strand (C>A on the coding strand, the complement: CDKN1C is on the minus strand). VCF-style: chr11-2885450-G-T. GRCh37 (hg19) VCF-style: chr11-2906680-G-T.
Other names: c.40C>A, p.Arg14Ser (NM_000076.2, NM_001362474.2); c.7C>A, p.Arg3Ser (NM_001122631.2, NM_001362475.2); short protein forms R14S, R3S.
Identifiers: ClinVar variation 1950315 (VCV001950315.5), dbSNP rs1848982412, ClinGen allele CA379147968.

ClinVar aggregate classification (germline): Uncertain significance (1 of 4 stars; one submission).

Conditions:
Beckwith-Wiedemann syndrome (BWS). Also called: EMG SYNDROME; Exomphalos macroglossia gigantism syndrome. Identifiers: Orphanet 116, MedGen C0004903, MONDO:0007534, OMIM 130650.

Allele frequency attached by ClinVar (database versions not stated): gnomAD exomes below 0.00001.
gnomAD v4.1: 1 of 1,546,586 alleles (0.000065%); highest among the groups gnomAD compares: Non-Finnish European, 0.000087%; no homozygotes.

Submission:

Labcorp Genetics (formerly Invitae), Labcorp
Classification: Uncertain significance for Beckwith-Wiedemann syndrome. Last evaluated: 2024-04-16. Review status: criteria provided, single submitter. Criteria: Invitae Variant Classification Sherloc (09022015). Collection method: clinical testing. Allele origin: germline.
Comment: This sequence change replaces arginine, which is basic and polar, with serine, which is neutral and polar, at codon 14 of the CDKN1C protein (p.Arg14Ser). This variant is not present in population databases (gnomAD no frequency). This variant has not been reported in the literature in individuals affected with CDKN1C-related conditions. ClinVar contains an entry for this variant (Variation ID: 1950315). Advanced modeling of protein sequence and biophysical properties (such as structural, functional, and spatial information, amino acid conservation, physicochemical variation, residue mobility, and thermodynamic stability) has been performed at Invitae for this missense variant, however the output from this modeling did not meet the statistical confidence thresholds required to predict the impact of this variant on CDKN1C protein function. In summary, the available evidence is currently insufficient to determine the role of this variant in disease. Therefore, it has been classified as a Variant of Uncertain Significance.